The following is an entry in ClinVar:

NM_052844.4(DYNC2I2):c.616C>T (p.Arg206Cys)

Gene: DYNC2I2 (dynein 2 intermediate chain 2; minus strand). Cytogenetic location: 9q34.11.
Variant type: single nucleotide variant.
Coding change: c.616C>T on transcript NM_052844.4 (MANE Select); coding-DNA position 616, C replaced by T.
Protein change: p.Arg206Cys; replaces arginine 206 with cysteine.
Molecular consequence: missense variant.
Genome position (GRCh38, 1-based): chr9:128,636,368, G>A on the plus strand (C>T on the coding strand, the complement: DYNC2I2 is on the minus strand). VCF-style: chr9-128636368-G-A. GRCh37 (hg19) VCF-style: chr9-131398647-G-A.
Other names: short protein forms R206C.
Identifiers: ClinVar variation 772498 (VCV000772498.19), dbSNP rs148543026, ClinGen allele CA5266545.

ClinVar aggregate classification (germline): Benign/Likely benign. Review status: criteria provided, multiple submitters, no conflicts (2 of 4 stars). 4 submissions from 4 submitters: Benign (2); Likely benign (1). 1 of the submissions does not count toward it. Last evaluated 2026-01-12.

Conditions:
DYNC2I2-related disorder. Also called: DYNC2I2-related condition.
Short-rib thoracic dysplasia 11 with or without polydactyly (SRTD11). Also called: SHORT-RIB THORACIC DYSPLASIA 11 WITHOUT POLYDACTYLY. Identifiers: Orphanet 474, Orphanet 93271, MedGen C3810200, MONDO:0014287, OMIM 615633.

Allele frequency attached by ClinVar (database versions not stated): 1000 Genomes Project 30x 0.00078; 1000 Genomes Project 0.00080; TOPMed 0.00107; ESP Exome Variant Server 0.00123; ExAC 0.00289; gnomAD exomes 0.00311; gnomAD 0.00349 and 0.00371.
gnomAD v4.1: 3,741 of 1,609,288 alleles (0.23%); highest among the groups gnomAD compares: Non-Finnish European, 0.18%; 20 homozygotes.

Submissions (4):

Labcorp Genetics (formerly Invitae), Labcorp
Classification: Benign for Short-rib thoracic dysplasia 11 with or without polydactyly. Last evaluated: 2026-01-12. Review status: criteria provided, single submitter. Criteria: Invitae Variant Classification Sherloc (09022015). Collection method: clinical testing. Allele origin: germline.

CeGaT Center for Human Genetics Tuebingen
Classification: Likely benign. Last evaluated: 2026-01-01. Review status: criteria provided, single submitter. Criteria: CeGaT Center For Human Genetics Tuebingen Variant Classification Criteria Version 2. Collection method: clinical testing. Allele origin: germline. Affected: yes. Observed: 2 variant alleles.
Comment: DYNC2I2: BP4

Breakthrough Genomics
Classification: Benign. Review status: criteria provided, single submitter. Criteria: ACMG Guidelines, 2015. Collection method: not provided. Allele origin: germline. Inheritance: Autosomal recessive inheritance. Affected: yes.

PreventionGenetics, part of Exact Sciences
Classification: Likely benign for DYNC2I2-related condition. Last evaluated: 2021-07-13. Review status: no assertion criteria provided. Collection method: clinical testing. Allele origin: germline. Not counted in ClinVar's aggregate classification.
Comment: This variant is classified as likely benign based on ACMG/AMP sequence variant interpretation guidelines (Richards et al. 2015 PMID: 25741868, with internal and published modifications).